The following is an entry in ClinVar:

ClinVar aggregate classification (germline): Uncertain significance (1 of 4 stars; one submission).

Conditions:
Osteogenesis imperfecta type I (OI1). Also called: OI, TYPE I; OSTEOGENESIS IMPERFECTA TARDA; OSTEOGENESIS IMPERFECTA WITH BLUE SCLERAE; Lobstein's Disease; Osteogenesis imperfecta type 1; Classic Non-deforming Osteogenesis Imperfecta with Blue Sclerae. Identifiers: Orphanet 216796, Orphanet 666, MedGen C0023931, MONDO:0008146, OMIM 166200. Disease mechanism: loss of function.

Submission:

Labcorp Genetics (formerly Invitae), Labcorp
Classification: Uncertain significance for Osteogenesis imperfecta type I. Last evaluated: 2025-03-22. Review status: criteria provided, single submitter. Criteria: Invitae Variant Classification Sherloc (09022015). Collection method: clinical testing. Allele origin: germline.
Comment: This sequence change replaces proline, which is neutral and non-polar, with threonine, which is neutral and polar, at codon 567 of the COL1A1 protein (p.Pro567Thr). This variant is not present in population databases (gnomAD no frequency). This variant has not been reported in the literature in individuals affected with COL1A1-related conditions. Invitae Evidence Modeling of protein sequence and biophysical properties (such as structural, functional, and spatial information, amino acid conservation, physicochemical variation, residue mobility, and thermodynamic stability) indicates that this missense variant is expected to disrupt COL1A1 protein function with a positive predictive value of 95%. In summary, the available evidence is currently insufficient to determine the role of this variant in disease. Therefore, it has been classified as a Variant of Uncertain Significance.

NM_000088.4(COL1A1):c.1699C>A (p.Pro567Thr)

Gene: COL1A1 (collagen type I alpha 1 chain; minus strand). Cytogenetic location: 17q21.33.
Variant type: single nucleotide variant.
Coding change: c.1699C>A on transcript NM_000088.4 (MANE Select); coding-DNA position 1699, C replaced by A.
Protein change: p.Pro567Thr; replaces proline 567 with threonine.
Molecular consequence: missense variant.
Genome position (GRCh38, 1-based): chr17:50,194,011, G>T on the plus strand (C>A on the coding strand, the complement: COL1A1 is on the minus strand). VCF-style: chr17-50194011-G-T. GRCh37 (hg19) VCF-style: chr17-48271372-G-T.
Other names: short protein forms P567T.
Identifiers: ClinVar variation 4800890 (VCV004800890.1).